The following is an entry in ClinVar:

NM_000815.5(GABRD):c.29C>T (p.Pro10Leu)

Gene: GABRD (gamma-aminobutyric acid type A receptor subunit delta; plus strand). Cytogenetic location: 1p36.33.
Variant type: single nucleotide variant.
Coding change: c.29C>T on transcript NM_000815.5 (MANE Select); coding-DNA position 29, C replaced by T.
Protein change: p.Pro10Leu; replaces proline 10 with leucine.
Molecular consequence: missense variant.
Genome position (GRCh38, 1-based): chr1:2,019,452, C>T. VCF-style: chr1-2019452-C-T. GRCh37 (hg19) VCF-style: chr1-1950891-C-T.
Other names: short protein forms P10L.
Identifiers: ClinVar variation 3619722 (VCV003619722.2).
Genomic context (GRCh38, chr1:2,019,452, plus strand): 5'-TGCGCGGACCCCGTCCCGAGCCCGCCGCGGCCATGGACGCGCCCGCCCGGCTGCTGGCCC[C>T]GCTCCTGCTCCTCTGCGCGCAGCAGCTCCGCGGCACCAGGTGAGCGGGCGGGGTCCGCGC-3'
Protein context (NP_000806.2, residues 1-20): MDAPARLLA[Pro10Leu]LLLLCAQQLR

ClinVar aggregate classification (germline): Uncertain significance (1 of 4 stars; one submission).

Conditions:
Idiopathic generalized epilepsy. Also called: Generalised epilepsy; EIG. Identifiers: MedGen C0270850, MONDO:0005579, OMIM 600669.

Submission:

Labcorp Genetics (formerly Invitae), Labcorp
Classification: Uncertain significance for Idiopathic generalized epilepsy. Last evaluated: 2024-03-27. Review status: criteria provided, single submitter. Criteria: Invitae Variant Classification Sherloc (09022015). Collection method: clinical testing. Allele origin: germline.
Comment: This sequence change replaces proline, which is neutral and non-polar, with leucine, which is neutral and non-polar, at codon 10 of the GABRD protein (p.Pro10Leu). This variant is present in population databases (no rsID available, gnomAD 0.01%). This variant has not been reported in the literature in individuals affected with GABRD-related conditions. Algorithms developed to predict the effect of missense changes on protein structure and function output the following: SIFT: "Not Available"; PolyPhen-2: "Not Available"; Align-GVGD: "Not Available". The leucine amino acid residue is found in multiple mammalian species, which suggests that this missense change does not adversely affect protein function. In summary, the available evidence is currently insufficient to determine the role of this variant in disease. Therefore, it has been classified as a Variant of Uncertain Significance.